The following is an entry in ClinVar:

ClinVar aggregate classification (germline): Uncertain significance. Review status: criteria provided, multiple submitters, no conflicts (2 of 4 stars). 2 submissions from 2 submitters: Uncertain significance (2). Last evaluated 2025-02-07.

Conditions:
Hereditary cancer-predisposing syndrome. Also called: Neoplastic Syndromes, Hereditary; Tumor predisposition; Hereditary neoplastic syndrome; Hereditary Cancer Syndrome. Identifiers: Orphanet 140162, MedGen C0027672, MeSH D009386, MONDO:0015356.
Carney complex, type 1 (CNC1). Also called: CARNEY MYXOMA-ENDOCRINE COMPLEX; CARNEY COMPLEX, TYPE I. Identifiers: Orphanet 1359, MedGen C2607929, MONDO:0008057, OMIM 160980.

Submissions (2):

Ambry Genetics
Classification: Uncertain significance for Hereditary cancer-predisposing syndrome. Last evaluated: 2025-02-07. Review status: criteria provided, single submitter. Criteria: Ambry Variant Classification Scheme 2023. Collection method: clinical testing. Allele origin: germline.
Comment: The p.K261R variant (also known as c.782A>G), located in coding exon 8 of the PRKAR1A gene, results from an A to G substitution at nucleotide position 782. The lysine at codon 261 is replaced by arginine, an amino acid with highly similar properties. This amino acid position is highly conserved in available vertebrate species. In addition, the in silico prediction for this alteration is inconclusive. Based on the available evidence, the clinical significance of this variant remains unclear.

Labcorp Genetics (formerly Invitae), Labcorp
Classification: Uncertain significance for Carney complex, type 1. Last evaluated: 2018-06-06. Review status: criteria provided, single submitter. Criteria: Invitae Variant Classification Sherloc (09022015). Collection method: clinical testing. Allele origin: germline.
Comment: In summary, the available evidence is currently insufficient to determine the role of this variant in disease. Therefore, it has been classified as a Variant of Uncertain Significance. Algorithms developed to predict the effect of sequence changes on RNA splicing suggest that this variant may create or strengthen a splice site, but this prediction has not been confirmed by published transcriptional studies. Algorithms developed to predict the effect of missense changes on protein structure and function (SIFT, PolyPhen-2, Align-GVGD) all suggest that this variant is likely to be tolerated, but these predictions have not been confirmed by published functional studies and their clinical significance is uncertain. This variant has not been reported in the literature in individuals with PRKAR1A-related disease. This variant is not present in population databases (ExAC no frequency). This sequence change replaces lysine with arginine at codon 261 of the PRKAR1A protein (p.Lys261Arg). The lysine residue is highly conserved and there is a small physicochemical difference between lysine and arginine.

NM_002734.5(PRKAR1A):c.782A>G (p.Lys261Arg)

Gene: PRKAR1A (protein kinase cAMP-dependent type I regulatory subunit alpha; plus strand). Cytogenetic location: 17q24.2.
Variant type: single nucleotide variant.
Coding change: c.782A>G on transcript NM_002734.5 (MANE Select); coding-DNA position 782, A replaced by G.
Protein change: p.Lys261Arg; replaces lysine 261 with arginine.
Molecular consequence: missense variant.
Genome position (GRCh38, 1-based): chr17:68,528,882, A>G. VCF-style: chr17-68528882-A-G. GRCh37 (hg19) VCF-style: chr17-66525023-A-G.
Other names: c.782A>G (NM_002734.3); c.782A>G, p.Lys261Arg (NM_001276289.2, NM_001276290.1, NM_001278433.2 and 4 more transcripts); short protein forms K261R.
Identifiers: ClinVar variation 568171 (VCV000568171.9), dbSNP rs1568701297, ClinGen allele CA400753805.